The following is an entry in ClinVar:

ClinVar aggregate classification (germline): Uncertain significance. Review status: criteria provided, multiple submitters, no conflicts (2 of 4 stars). 2 submissions from 2 submitters: Uncertain significance (2). Last evaluated 2022-06-20.

Conditions:
Spastic ataxia 2. Also called: Ataxia, spastic, 2, autosomal recessive. Identifiers: Orphanet 397946, MedGen C1969796, MONDO:0012651, OMIM 611302.
Hereditary spastic paraplegia. Also called: Familial spastic paraparesis. Identifiers: Orphanet 685, MedGen C0037773, MONDO:0019064. Disease mechanism: loss of function.

Allele frequency attached by ClinVar (database versions not stated): ExAC 0.00001; gnomAD 0.00001; TOPMed 0.00001; gnomAD exomes 0.00004.
gnomAD v4.1: 60 of 1,613,924 alleles (0.0037%); highest among the groups gnomAD compares: Non-Finnish European, 0.005%; no homozygotes.

Submissions (3):

Labcorp Genetics (formerly Invitae), Labcorp
Classification: Uncertain significance for Spastic ataxia 2. Last evaluated: 2022-06-20. Review status: criteria provided, single submitter. Criteria: Invitae Variant Classification Sherloc (09022015). Collection method: clinical testing. Allele origin: germline.
Comment: This variant has not been reported in the literature in individuals affected with KIF1C-related conditions. Algorithms developed to predict the effect of missense changes on protein structure and function (SIFT, PolyPhen-2, Align-GVGD) all suggest that this variant is likely to be disruptive. Algorithms developed to predict the effect of sequence changes on RNA splicing suggest that this variant may create or strengthen a splice site. In summary, the available evidence is currently insufficient to determine the role of this variant in disease. Therefore, it has been classified as a Variant of Uncertain Significance. This variant is not present in population databases (gnomAD no frequency). This sequence change replaces leucine, which is neutral and non-polar, with valine, which is neutral and non-polar, at codon 138 of the KIF1C protein (p.Leu138Val).

Genome Diagnostics Laboratory, The Hospital for Sick Children
Classification: Uncertain significance for Hereditary spastic paraplegia. Last evaluated: 2019-11-01. Review status: criteria provided, single submitter. Criteria: ACMG Guidelines, 2015. Collection method: clinical testing. Allele origin: germline. Affected: yes.

Dr. Peter K. Rogan Lab, Western University
No classification provided (evidence only). Condition: Nonpapillary renal cell carcinoma. Review status: no classification provided. Collection method: in vitro. Allele origin: not applicable. Functional consequence: retained intron. Not counted in ClinVar's aggregate classification.

NM_006612.6(KIF1C):c.412C>G (p.Leu138Val)

Gene: KIF1C (kinesin family member 1C; plus strand). Cytogenetic location: 17p13.2.
Variant type: single nucleotide variant.
Coding change: c.412C>G on transcript NM_006612.6 (MANE Select); coding-DNA position 412, C replaced by G.
Protein change: p.Leu138Val; replaces leucine 138 with valine.
Molecular consequence: missense variant.
Genome position (GRCh38, 1-based): chr17:5,002,107, C>G. VCF-style: chr17-5002107-C-G. GRCh37 (hg19) VCF-style: chr17-4905402-C-G.
Other names: short protein forms L138V.
Identifiers: ClinVar variation 1344410 (VCV001344410.12), dbSNP rs773746672, ClinGen allele CA8318548.